The following is an entry in ClinVar:

NM_001291303.3(FAT4):c.14530A>T (p.Ser4844Cys)

Gene: FAT4 (FAT atypical cadherin 4; plus strand). Cytogenetic location: 4q28.1.
Variant type: single nucleotide variant.
Coding change: c.14530A>T on transcript NM_001291303.3 (MANE Select); coding-DNA position 14530, A replaced by T.
Protein change: p.Ser4844Cys; replaces serine 4844 with cysteine.
Molecular consequence: missense variant.
Genome position (GRCh38, 1-based): chr4:125,491,346, A>T. VCF-style: chr4-125491346-A-T. GRCh37 (hg19) VCF-style: chr4-126412501-A-T.
Other names: c.14524A>T (NM_024582.4); c.14527A>T, p.Ser4843Cys (NM_001291285.3); c.14524A>T, p.Ser4842Cys (NM_024582.6); short protein forms S4844C, S4842C, S4843C.
Identifiers: ClinVar variation 1473524 (VCV001473524.7), dbSNP rs780522985, ClinGen allele CA3074582.

ClinVar aggregate classification (germline): Uncertain significance. Review status: criteria provided, multiple submitters, no conflicts (2 of 4 stars). 2 submissions from 2 submitters: Uncertain significance (2). Last evaluated 2025-12-15.

Conditions:
Inborn genetic diseases. Identifiers: MedGen C0950123, MeSH D030342.

Allele frequency attached by ClinVar (database versions not stated): gnomAD exomes 0.00001; ExAC 0.00002; gnomAD 0.00003 and 0.00004; TOPMed 0.00005.
gnomAD v4.1: 51 of 1,614,108 alleles (0.0032%); highest among the groups gnomAD compares: Non-Finnish European, 0.0039%; no homozygotes.

Submissions (2):

Labcorp Genetics (formerly Invitae), Labcorp
Classification: Uncertain significance. Last evaluated: 2025-12-15. Review status: criteria provided, single submitter. Criteria: Invitae Variant Classification Sherloc (09022015). Collection method: clinical testing. Allele origin: germline.
Comment: This sequence change replaces serine, which is neutral and polar, with cysteine, which is neutral and slightly polar, at codon 4842 of the FAT4 protein (p.Ser4842Cys). This variant is present in population databases (rs780522985, gnomAD 0.003%). This variant has not been reported in the literature in individuals affected with FAT4-related conditions. ClinVar contains an entry for this variant (Variation ID: 1473524). Invitae Evidence Modeling of protein sequence and biophysical properties (such as structural, functional, and spatial information, amino acid conservation, physicochemical variation, residue mobility, and thermodynamic stability) indicates that this missense variant is expected to disrupt FAT4 protein function with a positive predictive value of 80%. In summary, the available evidence is currently insufficient to determine the role of this variant in disease. Therefore, it has been classified as a Variant of Uncertain Significance.

Ambry Genetics
Classification: Uncertain significance for Inborn genetic diseases. Last evaluated: 2022-01-27. Review status: criteria provided, single submitter. Criteria: Ambry Variant Classification Scheme 2023. Collection method: clinical testing. Allele origin: germline.